The following is an entry in ClinVar:

NM_000257.4(MYH7):c.2551T>A (p.Ser851Thr)

Genes: MYH7 (myosin heavy chain 7; minus strand), LOC126861898 (BRD4-independent group 4 enhancer GRCh37_chr14:23893609-23894808; plus strand). Cytogenetic location: 14q11.2.
Variant type: single nucleotide variant.
Coding change: c.2551T>A on transcript NM_000257.4 (MANE Select); coding-DNA position 2551, T replaced by A.
Protein change: p.Ser851Thr; replaces serine 851 with threonine.
Molecular consequence: missense variant.
Genome position (GRCh38, 1-based): chr14:23,424,897, A>T on the plus strand (T>A on the coding strand, the complement: MYH7 is on the minus strand). VCF-style: chr14-23424897-A-T. GRCh37 (hg19) VCF-style: chr14-23894106-A-T.
Other names: short protein forms S851T.
Identifiers: ClinVar variation 1492829 (VCV001492829.9), dbSNP rs2138665874, ClinGen allele CA389048176.

ClinVar aggregate classification (germline): Uncertain significance. Review status: criteria provided, multiple submitters, no conflicts (2 of 4 stars). 2 submissions from 2 submitters: Uncertain significance (2). Last evaluated 2022-08-09.

Conditions:
Myopathy, myosin storage, autosomal recessive (CMYO7B). Also called: CONGENITAL MYOPATHY 7B, MYOSIN STORAGE, AUTOSOMAL RECESSIVE. Identifiers: Orphanet 636970, MedGen C1850709, MONDO:0009708, OMIM 255160.
Hypertrophic cardiomyopathy 1 (CMH1). Also called: Familial hypertrophic cardiomyopathy 1; MYH7-Related Familial Hypertrophic Cardiomyopathy. Identifiers: MedGen C3495498, MONDO:0008647, OMIM 192600.
Dilated cardiomyopathy 1S (CMD1S). Identifiers: Orphanet 154, Orphanet 54260, MedGen C1834481, MONDO:0013262, OMIM 613426.
MYH7-related skeletal myopathy. Also called: Laing distal myopathy; Myopathy, distal, 1; MYOPATHY, DISTAL, EARLY-ONSET, AUTOSOMAL DOMINANT; MYOPATHY, LATE DISTAL HEREDITARY; Laing early-onset distal myopathy. Identifiers: Orphanet 59135, MedGen C4552004, MONDO:0008050, OMIM 160500.
Congenital myopathy with fiber type disproportion. Also called: Congenital fiber-type disproportion myopathy; Congenital fiber-type disproportion. Identifiers: Orphanet 2020, MedGen C0546264, MONDO:0009711. Inheritance: all.
Myosin storage myopathy (CMYO7A). Also called: MYH7-related late-onset scapuloperoneal muscular dystrophy; Congenital myopathy 7A, myosin storage, autosomal dominant; MYOPATHY WITH LYSIS OF TYPE I MYOFIBRILS; MYOPATHY, HYALINE BODY, AUTOSOMAL DOMINANT; Scapuloperoneal myopathy, MYH7-related; SCAPULOPERONEAL MUSCULAR DYSTROPHY. Identifiers: Orphanet 437572, Orphanet 636965, MedGen C1842160, MONDO:0008409, OMIM 608358.
Hypertrophic cardiomyopathy. Also called: HYPERTROPHIC MYOCARDIOPATHY. Identifiers: Orphanet 217569, MedGen C0007194, MeSH D002312, MONDO:0005045, HP:0001639.

Submissions (2):

Labcorp Genetics (formerly Invitae), Labcorp
Classification: Uncertain significance for Hypertrophic cardiomyopathy. Last evaluated: 2022-08-09. Review status: criteria provided, single submitter. Criteria: Invitae Variant Classification Sherloc (09022015). Collection method: clinical testing. Allele origin: germline.
Comment: In summary, the available evidence is currently insufficient to determine the role of this variant in disease. Therefore, it has been classified as a Variant of Uncertain Significance. An algorithm developed specifically for the MYH7 gene suggests that this missense change is likely to be tolerated (PMID: 21310275). ClinVar contains an entry for this variant (Variation ID: 1492829). This variant has not been reported in the literature in individuals affected with MYH7-related conditions. This variant is not present in population databases (gnomAD no frequency). This sequence change replaces serine, which is neutral and polar, with threonine, which is neutral and polar, at codon 851 of the MYH7 protein (p.Ser851Thr).

Fulgent Genetics
Classification: Uncertain significance for MYH7-related skeletal myopathy; Myosin storage myopathy; Hypertrophic cardiomyopathy 1; Myopathy, myosin storage, autosomal recessive; Congenital myopathy 4A, autosomal dominant; Dilated cardiomyopathy 1S. Last evaluated: 2021-07-31. Review status: criteria provided, single submitter. Criteria: ACMG Guidelines, 2015. Collection method: clinical testing. Allele origin: unknown.

Literature cited by the submitters: PubMed 21310275 (cited by Labcorp Genetics (formerly Invitae), Labcorp).